The following is an entry in ClinVar:

NM_001032283.3(TMPO):c.241G>C (p.Ala81Pro)

Genes: TMPO (thymopoietin; plus strand), TMPO-AS1 (TMPO antisense RNA 1; minus strand), LOC130008520 (ATAC-STARR-seq lymphoblastoid silent region 4752; plus strand). Cytogenetic location: 12q23.1.
Variant type: single nucleotide variant.
Coding change: c.241G>C on transcript NM_001032283.3 (MANE Select); coding-DNA position 241, G replaced by C.
Protein change: p.Ala81Pro; replaces alanine 81 with proline.
Molecular consequence: missense variant. On other transcripts: non-coding transcript variant (1).
Genome position (GRCh38, 1-based): chr12:98,516,108, G>C. VCF-style: chr12-98516108-G-C. GRCh37 (hg19) VCF-style: chr12-98909886-G-C.
Other names: c.241G>C, p.Ala81Pro (NM_001032284.3, NM_001307975.2, NM_003276.2); short protein forms A81P.
Identifiers: ClinVar variation 1791001 (VCV001791001.2), dbSNP rs1403833849, ClinGen allele CA386239723.

ClinVar aggregate classification (germline): Uncertain significance (1 of 4 stars; one submission).

Submission:

Ambry Genetics
Classification: Uncertain significance. Last evaluated: 2021-11-19. Review status: criteria provided, single submitter. Criteria: Ambry Variant Classification Scheme 2023. Collection method: clinical testing. Allele origin: germline.
Comment: The p.A81P variant (also known as c.241G>C), located in coding exon 1 of the TMPO gene, results from a G to C substitution at nucleotide position 241. The alanine at codon 81 is replaced by proline, an amino acid with highly similar properties. This amino acid position is conserved. In addition, this alteration is predicted to be tolerated by in silico analysis. Since supporting evidence is limited at this time, the clinical significance of this alteration remains unclear.